The following is an entry in ClinVar:

NM_002225.5(IVD):c.287-205C>T

Gene: IVD (isovaleryl-CoA dehydrogenase; plus strand). Cytogenetic location: 15q15.1.
Variant type: single nucleotide variant.
Coding change: c.287-205C>T on transcript NM_002225.5 (MANE Select); 205 bases into the intron before coding-DNA position 287, C replaced by T.
Molecular consequence: intron variant.
Genome position (GRCh38, 1-based): chr15:40,410,423, C>T. VCF-style: chr15-40410423-C-T. GRCh37 (hg19) VCF-style: chr15-40702622-C-T.
Other names: c.374-205C>T (NM_001354600.3, NM_001354599.3); c.287-205C>T (NM_001354598.3, NM_001354601.3); c.239-205C>T (NM_001354597.3); c.197-205C>T (NM_001159508.3).
Identifiers: ClinVar variation 1706905 (VCV001706905.2), dbSNP rs575366020, ClinGen allele CA268779991.

ClinVar aggregate classification (germline): Likely benign (1 of 4 stars; one submission).

Allele frequency attached by ClinVar (database versions not stated): 1000 Genomes Project 0.00140; 1000 Genomes Project 30x 0.00141; TOPMed 0.00456; gnomAD 0.00571.
gnomAD v4.1: 856 of 152,354 alleles (0.56%); highest among the groups gnomAD compares: Non-Finnish European, 0.81%; 4 homozygotes.

Submission:

GeneDx
Classification: Likely benign. Last evaluated: 2019-04-16. Review status: criteria provided, single submitter. Criteria: GeneDx Variant Classification Process June 2021. Collection method: clinical testing. Allele origin: germline. Affected: yes.
Comment: See Variant Classification Assertion Criteria.